The following is an entry in ClinVar:

ClinVar aggregate classification (germline): Pathogenic/Likely pathogenic. Review status: criteria provided, multiple submitters, no conflicts (2 of 4 stars). 2 submissions from 2 submitters: Pathogenic (1); Likely pathogenic (1). Last evaluated 2024-11-19.

Conditions:
Hereditary factor IX deficiency disease (HEMB). Also called: Hemophilia B; F9 DEFICIENCY; FACTOR IX DEFICIENCY; PLASMA THROMBOPLASTIN COMPONENT DEFICIENCY; Christmas Disease. Identifiers: Orphanet 98879, MedGen C0008533, MeSH D002836, MONDO:0010604, OMIM 306900.
Hereditary factor VIII deficiency disease (HEMA). Also called: Hemophilia A, congenital; HEM A; Factor 8 deficiency, congenital; HEMOPHILIA, CLASSIC; Hemophilia A; AUTOSOMAL HEMOPHILIA A. Identifiers: Orphanet 98878, MedGen C0019069, MONDO:0010602, OMIM 306700.

Submissions (2):

Women's Health and Genetics/Laboratory Corporation of America, LabCorp
Classification: Pathogenic for Hereditary factor VIII deficiency disease. Last evaluated: 2024-11-19. Review status: criteria provided, single submitter. Criteria: LabCorp Variant Classification Summary - May 2015. Collection method: clinical testing. Allele origin: germline.
Comment: Variant summary: F8 c.6920A>C (p.Asp2307Ala) results in a non-conservative amino acid change located in the Coagulation factor 5/8 C-terminal domain, discoidin domain (IPR000421) of the encoded protein sequence. Five of five in-silico tools predict a damaging effect of the variant on protein function. The variant was absent in 183190 control chromosomes (gnomAD). c.6920A>C has been reported in the literature in multiple individuals affected with Factor VIII Deficiency (Hemophilia A; Ivaskevicius_2001, Timur_2001, Downes_2019, Johnsen_2022). These data indicate that the variant is very likely to be associated with disease. At least one publication reports experimental evidence evaluating an impact on protein function, finding that the variant results in normal binding activity but reduced solubility (Spiegel_2004). The following publications have been ascertained in the context of this evaluation (PMID: 11298607, 31064749, 15471879, 11554935, 15471879). ClinVar contains an entry for this variant (Variation ID: 627121). Based on the evidence outlined above, the variant was classified as pathogenic.

NIHR Bioresource Rare Diseases, University of Cambridge
Classification: Likely pathogenic for Hereditary factor IX deficiency disease. Last evaluated: 2019-02-01. Review status: criteria provided, single submitter. Criteria: ACMG Guidelines, 2015. Collection method: research. Allele origin: unknown. Affected: yes. Observed: 1 hemizygote. Study: ThromboGenomics.

Literature cited by the submitters: PubMed 31064749 (cited by Women's Health and Genetics/Laboratory Corporation of America, LabCorp and NIHR Bioresource Rare Diseases, University of Cambridge); PubMed 11554935 (cited by Women's Health and Genetics/Laboratory Corporation of America, LabCorp); PubMed 11298607 (cited by Women's Health and Genetics/Laboratory Corporation of America, LabCorp); PubMed 15471879 (cited by Women's Health and Genetics/Laboratory Corporation of America, LabCorp).

NM_000132.4(F8):c.6920A>C (p.Asp2307Ala)

Gene: F8 (coagulation factor VIII; minus strand). Cytogenetic location: Xq28.
Variant type: single nucleotide variant.
Coding change: c.6920A>C on transcript NM_000132.4 (MANE Select); coding-DNA position 6920, A replaced by C.
Protein change: p.Asp2307Ala; replaces aspartic acid 2307 with alanine.
Molecular consequence: missense variant.
Genome position (GRCh38, 1-based): chrX:154,837,733, T>G on the plus strand (A>C on the coding strand, the complement: F8 is on the minus strand). VCF-style: chrX-154837733-T-G. GRCh37 (hg19) VCF-style: chrX-154066008-T-G.
Other names: c.515A>C, p.Asp172Ala (NM_019863.3); short protein forms D2307A, D172A.
Identifiers: ClinVar variation 627121 (VCV000627121.3), dbSNP rs1603430929, ClinGen allele CA414897728.
Genomic context (GRCh38, chrX:154,837,733, plus strand): 5'-ATTCGAAGGTAGCGAGTCAGTAACGGTGGGTCTAGAGAGTTCACCACAGGTGTGAAGGAG[T>G]CTTGATTTCCCTGAAAAACCTGAAAGAGGAAAGATAGCATTTATTGGTTGTCTGACAGGA-3'
Protein context (NP_000123.1, residues 2297-2317): GKVKVFQGNQ[Asp2307Ala]SFTPVVNSLD